The following is an entry in ClinVar:

ClinVar aggregate classification (germline): Uncertain significance. Review status: criteria provided, multiple submitters, no conflicts (2 of 4 stars). 3 submissions from 3 submitters: Uncertain significance (3). Last evaluated 2025-09-02.

Conditions:
Inborn genetic diseases. Identifiers: MedGen C0950123, MeSH D030342.

Allele frequency attached by ClinVar (database versions not stated): ExAC 0.00001; gnomAD 0.00001; gnomAD exomes 0.00002; TOPMed 0.00002.
gnomAD v4.1: 35 of 1,614,010 alleles (0.0022%); highest among the groups gnomAD compares: Admixed American, 0.005%; no homozygotes.

Submissions (3):

Labcorp Genetics (formerly Invitae), Labcorp
Classification: Uncertain significance. Last evaluated: 2025-09-02. Review status: criteria provided, single submitter. Criteria: Invitae Variant Classification Sherloc (09022015). Collection method: clinical testing. Allele origin: germline.
Comment: This sequence change replaces alanine, which is neutral and non-polar, with threonine, which is neutral and polar, at codon 2193 of the FLNB protein (p.Ala2193Thr). This variant is present in population databases (rs781114131, gnomAD 0.006%). This variant has not been reported in the literature in individuals affected with FLNB-related conditions. ClinVar contains an entry for this variant (Variation ID: 2207609). Invitae Evidence Modeling of protein sequence and biophysical properties (such as structural, functional, and spatial information, amino acid conservation, physicochemical variation, residue mobility, and thermodynamic stability) has been performed for this missense variant. However, the output from this modeling did not meet the statistical confidence thresholds required to predict the impact of this variant on FLNB protein function. In summary, the available evidence is currently insufficient to determine the role of this variant in disease. Therefore, it has been classified as a Variant of Uncertain Significance.

Ambry Genetics
Classification: Uncertain significance for Inborn genetic diseases. Last evaluated: 2024-10-22. Review status: criteria provided, single submitter. Criteria: Ambry Variant Classification Scheme 2023. Collection method: clinical testing. Allele origin: germline.

Blueprint Genetics
Classification: Uncertain significance. Last evaluated: 2024-05-06. Review status: criteria provided, single submitter. Criteria: ACMG Guidelines, 2015. Collection method: clinical testing. Allele origin: germline.

NM_001457.4(FLNB):c.6577G>A (p.Ala2193Thr)

Gene: FLNB (filamin B; plus strand). Cytogenetic location: 3p14.3.
Variant type: single nucleotide variant.
Coding change: c.6577G>A on transcript NM_001457.4 (MANE Select); coding-DNA position 6577, G replaced by A.
Protein change: p.Ala2193Thr; replaces alanine 2193 with threonine.
Molecular consequence: missense variant.
Genome position (GRCh38, 1-based): chr3:58,153,584, G>A. VCF-style: chr3-58153584-G-A. GRCh37 (hg19) VCF-style: chr3-58139311-G-A.
Other names: c.6670G>A, p.Ala2224Thr (NM_001164317.2); c.6544G>A, p.Ala2182Thr (NM_001164318.2); c.6505G>A, p.Ala2169Thr (NM_001164319.2); short protein forms A2182T, A2224T, A2193T, A2169T.
Identifiers: ClinVar variation 2207609 (VCV002207609.6), dbSNP rs781114131, ClinGen allele CA2469425.
Genomic context (GRCh38, chr3:58,153,584, plus strand): 5'-GGGCAGCACGTCACCGGCAGCCCCTTCCAGTTCACCGTGGGGCCACTTGGTGAAGGAGGC[G>A]CCCACAAGGTGCGGGCAGGAGGCCCTGGCCTGGAGAGAGGAGAAGCGGGAGTCCCAGGTG-3'
Protein context (NP_001448.2, residues 2183-2203): FTVGPLGEGG[Ala2193Thr]HKVRAGGPGL